The following is an entry in ClinVar:

NM_001131016.2(CIZ1):c.2017A>T (p.Thr673Ser)

Gene: CIZ1 (CDKN1A interacting zinc finger protein 1; minus strand). Cytogenetic location: 9q34.11.
Variant type: single nucleotide variant.
Coding change: c.2017A>T on transcript NM_001131016.2 (MANE Select); coding-DNA position 2017, A replaced by T.
Protein change: p.Thr673Ser; replaces threonine 673 with serine.
Molecular consequence: missense variant.
Genome position (GRCh38, 1-based): chr9:128,170,034, T>A on the plus strand (A>T on the coding strand, the complement: CIZ1 is on the minus strand). VCF-style: chr9-128170034-T-A. GRCh37 (hg19) VCF-style: chr9-130932313-T-A.
Other names: c.1849A>T, p.Thr617Ser (NM_001131015.2); c.1834A>T, p.Thr612Ser (NM_001131017.2); c.1777A>T, p.Thr593Ser (NM_001131018.2); c.2107A>T, p.Thr703Ser (NM_001257975.2); c.1714A>T, p.Thr572Ser (NM_001257976.2); c.2017A>T, p.Thr673Ser (NM_012127.3); short protein forms T612S, T572S, T593S, T703S, T617S, T673S.
Identifiers: ClinVar variation 2717479 (VCV002717479.3), dbSNP rs775241817, ClinGen allele CA5257160.

ClinVar aggregate classification (germline): Uncertain significance (1 of 4 stars; one submission).

Conditions:
Dystonic disorder. Also called: Dystonia. Identifiers: MedGen C0013421, MONDO:0003441, HP:0001332.

Allele frequency attached by ClinVar (database versions not stated): ExAC 0.00001; gnomAD exomes 0.00002; TOPMed 0.00002; gnomAD 0.00003.
gnomAD v4.1: 13 of 1,613,642 alleles (0.00081%); highest among the groups gnomAD compares: Non-Finnish European, 0.0011%; no homozygotes.

Submission:

Labcorp Genetics (formerly Invitae), Labcorp
Classification: Uncertain significance for Dystonic disorder. Last evaluated: 2024-12-16. Review status: criteria provided, single submitter. Criteria: Invitae Variant Classification Sherloc (09022015). Collection method: clinical testing. Allele origin: germline.
Comment: This sequence change replaces threonine, which is neutral and polar, with serine, which is neutral and polar, at codon 673 of the CIZ1 protein (p.Thr673Ser). This variant is present in population databases (rs775241817, gnomAD 0.002%). This variant has not been reported in the literature in individuals affected with CIZ1-related conditions. ClinVar contains an entry for this variant (Variation ID: 2717479). An algorithm developed to predict the effect of missense changes on protein structure and function (PolyPhen-2) suggests that this variant is likely to be disruptive. In summary, the available evidence is currently insufficient to determine the role of this variant in disease. Therefore, it has been classified as a Variant of Uncertain Significance.